The following is an entry in ClinVar:

NM_001369268.1(ACAN):c.7381_7384dup (p.Lys2462fs)

Gene: ACAN (aggrecan; plus strand). Cytogenetic location: 15q26.1.
Variant type: Microsatellite.
Coding change: c.7381_7384dup on transcript NM_001369268.1 (MANE Select); coding-DNA positions 7381 to 7384, 4 bases duplicated (GAGA; older notation c.7381_7384dupGAGA).
Protein change: p.Lys2462fs; shifts the reading frame from lysine 2462.
Molecular consequence: frameshift variant.
Genome position (GRCh38, 1-based): chr15:88,872,959-88,872,962, GAGA duplicated. VCF-style (leftmost placement, unchanged base first): chr15-88872958-C-CGAGA. GRCh37 (hg19) VCF-style: chr15-89416189-C-CGAGA.
Other names: c.7153_7156dup, p.Lys2386fs (NM_001135.4, NM_001411096.1); c.7267_7270dup, p.Lys2424fs (NM_001411097.1, NM_013227.4); short protein forms K2386fs, K2424fs, K2462fs.
Identifiers: ClinVar variation 4732925 (VCV004732925.1).

ClinVar aggregate classification (germline): Pathogenic (1 of 4 stars; one submission).

Submission:

Labcorp Genetics (formerly Invitae), Labcorp
Classification: Pathogenic. Last evaluated: 2025-12-15. Review status: criteria provided, single submitter. Criteria: Invitae Variant Classification Sherloc (09022015). Collection method: clinical testing. Allele origin: germline.
Comment: This sequence change creates a premature translational stop signal (p.Lys2424Argfs*7) in the ACAN gene. It is expected to result in an absent or disrupted protein product. Loss-of-function variants in ACAN are known to be pathogenic (PMID: 16080123, 24762113). This variant is not present in population databases (gnomAD no frequency). This variant has not been reported in the literature in individuals affected with ACAN-related conditions. For these reasons, this variant has been classified as Pathogenic.

Literature cited by the submitters: PubMed 16080123; PubMed 24762113.